The following is an entry in ClinVar:

ClinVar aggregate classification (germline): Likely benign. Review status: criteria provided, multiple submitters, no conflicts (2 of 4 stars). 2 submissions from 2 submitters: Likely benign (2). Last evaluated 2026-02-24.

Conditions:
Cardiovascular phenotype. Identifiers: MedGen CN230736.

Submissions (2):

Ambry Genetics
Classification: Likely benign for Cardiovascular phenotype. Last evaluated: 2026-02-24. Review status: criteria provided, single submitter. Criteria: Ambry Variant Classification Scheme 2023. Collection method: clinical testing. Allele origin: germline.

CeGaT Center for Human Genetics Tuebingen
Classification: Likely benign. Last evaluated: 2024-07-01. Review status: criteria provided, single submitter. Criteria: CeGaT Center For Human Genetics Tuebingen Variant Classification Criteria Version 2. Collection method: clinical testing. Allele origin: germline. Affected: yes. Observed: 1 variant allele.
Comment: FOXE3: PM2:Supporting, BP4, BP7

NM_012186.3(FOXE3):c.618C>T (p.Ala206=)

Genes: FOXE3 (forkhead box E3; plus strand), LINC01389 (long independently transcribed non-coding RNA 1389; minus strand). Cytogenetic location: 1p33.
Variant type: single nucleotide variant.
Coding change: c.618C>T on transcript NM_012186.3 (MANE Select); coding-DNA position 618, C replaced by T.
Protein change: p.Ala206=; no amino-acid change (alanine 206 retained).
Molecular consequence: synonymous variant.
Genome position (GRCh38, 1-based): chr1:47,416,933, C>T. VCF-style: chr1-47416933-C-T. GRCh37 (hg19) VCF-style: chr1-47882605-C-T.
Other names: c.618C>T (NM_012186.2).
Identifiers: ClinVar variation 3257365 (VCV003257365.17).